The following is an entry in ClinVar:

ClinVar aggregate classification (germline): Uncertain significance. Review status: criteria provided, single submitter (1 of 4 stars). 2 submissions from 2 submitters: Uncertain significance (1). 1 of the submissions does not count toward it. Last evaluated 2023-03-31.

Conditions:
Malignant tumor of breast. Also called: Malignant breast neoplasm; Cancer breast. Identifiers: MedGen C0006142, MONDO:0007254. Disease mechanism: loss of function.
Ataxia-telangiectasia syndrome (AT). Also called: LOUIS-BAR SYNDROME; Cerebello-oculocutaneous telangiectasia; Immunodeficiency with ataxia telangiectasia; Ataxia-telangiectasia, complementation group D; AT, COMPLEMENTATION GROUP C; Ataxia-telangiectasia, complementation group E. Identifiers: Orphanet 100, MedGen C0004135, MONDO:0008840, OMIM 208900.

Submissions (2):

Labcorp Genetics (formerly Invitae), Labcorp
Classification: Uncertain significance for Ataxia-telangiectasia syndrome. Last evaluated: 2023-03-31. Review status: criteria provided, single submitter. Criteria: Invitae Variant Classification Sherloc (09022015). Collection method: clinical testing. Allele origin: germline.
Comment: In summary, the available evidence is currently insufficient to determine the role of this variant in disease. Therefore, it has been classified as a Variant of Uncertain Significance. Variants that disrupt the consensus splice site are a relatively common cause of aberrant splicing (PMID: 17576681, 9536098). Algorithms developed to predict the effect of sequence changes on RNA splicing suggest that this variant is not likely to affect RNA splicing. ClinVar contains an entry for this variant (Variation ID: 453603). This variant has not been reported in the literature in individuals affected with ATM-related conditions. This variant is not present in population databases (gnomAD no frequency). This sequence change falls in intron 39 of the ATM gene. It does not directly change the encoded amino acid sequence of the ATM protein. It affects a nucleotide within the consensus splice site.

Department of Pathology and Laboratory Medicine, Sinai Health System
Classification: Uncertain significance for Malignant tumor of breast. Review status: no assertion criteria provided. Collection method: clinical testing. Allele origin: unknown. Affected: yes. Observed: 1 variant allele. Study: The Canadian Open Genetics Repository (COGR). Not counted in ClinVar's aggregate classification.
Comment: The ATM c.5918+3A>G variant was not identified in the literature nor was it identified in the dbSNP, COGR, or LOVD 3.0 databases. The variant was identified in ClinVar (classified as uncertain significance by Invitae). The variant was not identified in the following control databases: the 1000 Genomes Project, the NHLBI GO Exome Sequencing Project, the Exome Aggregation Consortium (August 8th 2016), or the Genome Aggregation Database (Feb 27, 2017). The c.5918+3A>G variant is located in the 5' splice region but does not affect the invariant +1 and +2 positions. However, positions +3 to +6 are part of the splicing consensus sequence and variants involving these positions sometimes affect splicing. In addition, 4 of 5 in silico or computational prediction software programs (SpliceSiteFinder, MaxEntScan, NNSPLICE, GeneSplicer, HumanSpliceFinder) predict a greater than 10% difference in splicing. In summary, based on the above information the clinical significance of this variant cannot be determined with certainty at this time. This variant is classified as a variant of uncertain significance.

Literature cited by the submitters: PubMed 17576681 (cited by Labcorp Genetics (formerly Invitae), Labcorp); PubMed 9536098 (cited by Labcorp Genetics (formerly Invitae), Labcorp).

NM_000051.4(ATM):c.5918+3A>G

Genes: C11orf65 (chromosome 11 open reading frame 65; minus strand), ATM (ATM serine/threonine kinase; plus strand). Cytogenetic location: 11q22.3.
Variant type: single nucleotide variant.
Coding change: c.5918+3A>G on transcript NM_000051.4 (MANE Select); 3 bases into the intron after coding-DNA position 5918, A replaced by G.
Molecular consequence: intron variant.
Genome position (GRCh38, 1-based): chr11:108,310,318, A>G. VCF-style: chr11-108310318-A-G. GRCh37 (hg19) VCF-style: chr11-108181045-A-G.
Other names: c.5918+3A>G (NM_001351834.2); c.641-1247T>C (NM_001330368.2); c.*39-1247T>C (NM_001351110.2).
Identifiers: ClinVar variation 453603 (VCV000453603.10), dbSNP rs1555110595, ClinGen allele CA658656169.